The following is an entry in ClinVar:

ClinVar aggregate classification (germline): Conflicting classifications of pathogenicity. Review status: criteria provided, conflicting classifications (1 of 4 stars). 3 submissions from 3 submitters: Uncertain significance (2); Likely benign (1). Last evaluated 2026-01-02.

Conditions:
AP3D1-related disorder. Also called: AP3D1-related condition.
Inborn genetic diseases. Identifiers: MedGen C0950123, MeSH D030342.

Allele frequency attached by ClinVar (database versions not stated): ExAC 0.00007; gnomAD 0.00012 and 0.00013; TOPMed 0.00014; 1000 Genomes Project 0.00040; 1000 Genomes Project 30x 0.00047; gnomAD exomes 0.00001 and 0.00002.
gnomAD v4.1: 37 of 1,612,012 alleles (0.0023%); highest among the groups gnomAD compares: African/African-American, 0.047%; 1 homozygote.

Submissions (3):

Labcorp Genetics (formerly Invitae), Labcorp
Classification: Uncertain significance. Last evaluated: 2026-01-02. Review status: criteria provided, single submitter. Criteria: Invitae Variant Classification Sherloc (09022015). Collection method: clinical testing. Allele origin: germline.
Comment: This sequence change replaces leucine, which is neutral and non-polar, with proline, which is neutral and non-polar, at codon 631 of the AP3D1 protein (p.Leu631Pro). This variant is present in population databases (rs564009118, gnomAD 0.06%). This variant has not been reported in the literature in individuals affected with AP3D1-related conditions. ClinVar contains an entry for this variant (Variation ID: 1001780). An algorithm developed to predict the effect of missense changes on protein structure and function outputs the following: PolyPhen-2: "Benign". The proline amino acid residue is found in multiple mammalian species, which suggests that this missense change does not adversely affect protein function. In summary, the available evidence is currently insufficient to determine the role of this variant in disease. Therefore, it has been classified as a Variant of Uncertain Significance.

Ambry Genetics
Classification: Likely benign for Inborn genetic diseases. Last evaluated: 2024-11-12. Review status: criteria provided, single submitter. Criteria: Ambry Variant Classification Scheme 2023. Collection method: clinical testing. Allele origin: germline.

PreventionGenetics, part of Exact Sciences
Classification: Uncertain significance for AP3D1-related condition. Last evaluated: 2024-10-25. Review status: criteria provided, single submitter. Criteria: ACMG Guidelines, 2015. Collection method: clinical testing. Allele origin: germline.
Comment: The AP3D1 c.1892T>C variant is predicted to result in the amino acid substitution p.Leu631Pro. To our knowledge, this variant has not been reported in the literature. This variant is reported in 0.051% of alleles in individuals of African descent in gnomAD, which may be too common to be an unreported cause of disease. Although we suspect that this variant may be benign, at this time, the clinical significance of this variant is uncertain due to the absence of conclusive functional and genetic evidence.

NM_001261826.3(AP3D1):c.1892T>C (p.Leu631Pro)

Gene: AP3D1 (adaptor related protein complex 3 subunit delta 1; minus strand). Cytogenetic location: 19p13.3.
Variant type: single nucleotide variant.
Coding change: c.1892T>C on transcript NM_001261826.3 (MANE Select); coding-DNA position 1892, T replaced by C.
Protein change: p.Leu631Pro; replaces leucine 631 with proline.
Molecular consequence: missense variant.
Genome position (GRCh38, 1-based): chr19:2,116,714, A>G on the plus strand (T>C on the coding strand, the complement: AP3D1 is on the minus strand). VCF-style: chr19-2116714-A-G. GRCh37 (hg19) VCF-style: chr19-2116713-A-G.
Other names: c.1892T>C (NM_001261826.1, NM_003938.5); c.1892T>C, p.Leu631Pro (NM_001374799.1, NM_003938.8); short protein forms L631P.
Identifiers: ClinVar variation 1001780 (VCV001001780.11), dbSNP rs564009118, ClinGen allele CA9059137.